The following is an entry in ClinVar:

ClinVar aggregate classification (germline): Uncertain significance (1 of 4 stars; one submission).

gnomAD v4.1: 1 of 1,613,534 alleles (0.000062%); highest among the groups gnomAD compares: Non-Finnish European, 0.000085%; no homozygotes.

Submission:

Labcorp Genetics (formerly Invitae), Labcorp
Classification: Uncertain significance. Last evaluated: 2023-12-25. Review status: criteria provided, single submitter. Criteria: Invitae Variant Classification Sherloc (09022015). Collection method: clinical testing. Allele origin: germline.
Comment: This sequence change replaces lysine, which is basic and polar, with glutamic acid, which is acidic and polar, at codon 285 of the MYO6 protein (p.Lys285Glu). This variant is not present in population databases (gnomAD no frequency). This variant has not been reported in the literature in individuals affected with MYO6-related conditions. Advanced modeling of protein sequence and biophysical properties (such as structural, functional, and spatial information, amino acid conservation, physicochemical variation, residue mobility, and thermodynamic stability) performed at Invitae indicates that this missense variant is not expected to disrupt MYO6 protein function with a negative predictive value of 80%. In summary, the available evidence is currently insufficient to determine the role of this variant in disease. Therefore, it has been classified as a Variant of Uncertain Significance.

NM_004999.4(MYO6):c.853A>G (p.Lys285Glu)

Gene: MYO6 (myosin VI; plus strand). Cytogenetic location: 6q14.1.
Variant type: single nucleotide variant.
Coding change: c.853A>G on transcript NM_004999.4 (MANE Select); coding-DNA position 853, A replaced by G.
Protein change: p.Lys285Glu; replaces lysine 285 with glutamic acid.
Molecular consequence: missense variant. On other transcripts: non-coding transcript variant (1).
Genome position (GRCh38, 1-based): chr6:75,844,933, A>G. VCF-style: chr6-75844933-A-G. GRCh37 (hg19) VCF-style: chr6-76554650-A-G.
Other names: c.853A>G, p.Lys285Glu (NM_001300899.2, NM_001368136.1, NM_001368137.1 and 2 more transcripts); c.838A>G, p.Lys280Glu (NM_001368138.1); short protein forms K280E, K285E.
Identifiers: ClinVar variation 2705334 (VCV002705334.3), dbSNP rs2535140933, ClinGen allele CA364752319.